The following is an entry in ClinVar:

ClinVar aggregate classification (germline): Uncertain significance (1 of 4 stars; one submission).

Submission:

GeneDx
Classification: Uncertain significance. Last evaluated: 2023-11-27. Review status: criteria provided, single submitter. Criteria: GeneDx Variant Classification Process June 2021. Collection method: clinical testing. Allele origin: germline. Affected: yes.
Comment: Not observed at significant frequency in large population cohorts (gnomAD); In silico analysis, which includes protein predictors and evolutionary conservation, supports that this variant does not alter protein structure/function; Has not been previously published as pathogenic or benign to our knowledge

NM_001020658.2(PUM1):c.1904A>G (p.Gln635Arg)

Gene: PUM1 (pumilio RNA binding family member 1; minus strand). Cytogenetic location: 1p35.2.
Variant type: single nucleotide variant.
Coding change: c.1904A>G on transcript NM_001020658.2 (MANE Select); coding-DNA position 1904, A replaced by G.
Protein change: p.Gln635Arg; replaces glutamine 635 with arginine.
Molecular consequence: missense variant.
Genome position (GRCh38, 1-based): chr1:30,966,164, T>C on the plus strand (A>G on the coding strand, the complement: PUM1 is on the minus strand). VCF-style: chr1-30966164-T-C. GRCh37 (hg19) VCF-style: chr1-31439011-T-C.
Other names: c.1904A>G, p.Gln635Arg (NM_014676.3); short protein forms Q635R.
Identifiers: ClinVar variation 1306810 (VCV001306810.3), dbSNP rs2124440076, ClinGen allele CA339566352.